The following is an entry in ClinVar:

ClinVar aggregate classification (germline): Likely pathogenic (1 of 4 stars; one submission).

Conditions:
Charcot-Marie-Tooth disease type 4. Also called: Charcot-Marie-Tooth disease, type IV; Charcot-Marie-Tooth, Type 4. Identifiers: Orphanet 64749, MedGen C4082197, MONDO:0018995.

Submission:

Labcorp Genetics (formerly Invitae), Labcorp
Classification: Likely pathogenic for Charcot-Marie-Tooth disease type 4. Last evaluated: 2022-06-03. Review status: criteria provided, single submitter. Criteria: Invitae Variant Classification Sherloc (09022015). Collection method: clinical testing. Allele origin: germline.
Comment: This variant is not present in population databases (gnomAD no frequency). This sequence change affects a donor splice site in intron 27 of the SBF2 gene. It is expected to disrupt RNA splicing. Variants that disrupt the donor or acceptor splice site typically lead to a loss of protein function (PMID: 16199547), and loss-of-function variants in SBF2 are known to be pathogenic (PMID: 12687498, 25873783). This variant has not been reported in the literature in individuals affected with SBF2-related conditions. Algorithms developed to predict the effect of sequence changes on RNA splicing suggest that this variant may disrupt the consensus splice site. In summary, the currently available evidence indicates that the variant is pathogenic, but additional data are needed to prove that conclusively. Therefore, this variant has been classified as Likely Pathogenic.

Literature cited by the submitters: PubMed 16199547; PubMed 12687498; PubMed 25873783.

NM_030962.4(SBF2):c.3652+1G>C

Gene: SBF2 (SET binding factor 2; minus strand). Cytogenetic location: 11p15.4.
Variant type: single nucleotide variant.
Coding change: c.3652+1G>C on transcript NM_030962.4 (MANE Select); the canonical splice donor site of the intron after coding-DNA position 3652, G replaced by C.
Molecular consequence: splice donor variant.
Genome position (GRCh38, 1-based): chr11:9,832,223, C>G on the plus strand (G>C on the coding strand, the complement: SBF2 is on the minus strand). VCF-style: chr11-9832223-C-G. GRCh37 (hg19) VCF-style: chr11-9853770-C-G.
Other names: c.3523+1G>C (NM_001386342.1); c.3652+1G>C (NM_001386339.1).
Identifiers: ClinVar variation 2002315 (VCV002002315.4), dbSNP rs1399471736, ClinGen allele CA379645451.
Genomic context (GRCh38, chr11:9,832,223, plus strand): 5'-TTTATTTTTAGCACTGTCCTTATGTGAACGGGTGGTAATTGTGTTATAGAGAGATGCTTA[C>G]CGGCCTGAGGGGAGTTCTGAGATTTGAAAAGACCAACGACTCCCTTCCCATGGAATCCTC-3'